The following is an entry in ClinVar:

ClinVar aggregate classification (germline): Likely pathogenic (1 of 4 stars; one submission).

Conditions:
TP63-related disorder. Also called: TP63-Related Disorders; TP63-related condition. Identifiers: MedGen CN380159.

Submission:

PreventionGenetics, part of Exact Sciences
Classification: Likely pathogenic for TP63-related condition. Last evaluated: 2026-03-01. Review status: criteria provided, single submitter. Criteria: ACMG Guidelines, 2015. Collection method: clinical testing. Allele origin: germline.
Comment: The TP63 c.691T>G variant is predicted to result in the amino acid substitution p.Tyr231Asp. This variant is alternatively referred to as p.Tyr192Asp using legacy nomenclature. This variant, and an alternate change at this amino acid (p.Tyr231Cys, reported as Y192C) were reported in an association with ectrodactyly, ectodermal dysplasia, and cleft lip/palate syndrome (Rinne et al. 2007. PubMed ID: 17224651). The p.Tyr231Asp variant has not been reported in a large population database (gnomAD), indicating this variant is rare. This variant is interpreted as likely pathogenic.

NM_003722.5(TP63):c.691T>G (p.Tyr231Asp)

Gene: TP63 (tumor protein p63; plus strand). Cytogenetic location: 3q28.
Variant type: single nucleotide variant.
Coding change: c.691T>G on transcript NM_003722.5 (MANE Select); coding-DNA position 691, T replaced by G.
Protein change: p.Tyr231Asp; replaces tyrosine 231 with aspartic acid.
Molecular consequence: missense variant.
Genome position (GRCh38, 1-based): chr3:189,864,343, T>G. VCF-style: chr3-189864343-T-G. GRCh37 (hg19) VCF-style: chr3-189582132-T-G.
Other names: c.691T>G, p.Tyr231Asp (NM_001114978.2, NM_001114979.2, NM_001329144.2 and 1 more transcripts); c.409T>G, p.Tyr137Asp (NM_001114980.2, NM_001114981.2, NM_001114982.2 and 2 more transcripts); c.154T>G, p.Tyr52Asp (NM_001329146.2, NM_001329150.2); c.685T>G, p.Tyr229Asp (NM_001329964.2); short protein forms Y137D, Y229D, Y52D, Y231D.
Identifiers: ClinVar variation 4995021 (VCV004995021.1).